The following is an entry in ClinVar:

NM_003098.3(SNTA1):c.502T>C (p.Tyr168His)

Gene: SNTA1 (syntrophin alpha 1; minus strand). Cytogenetic location: 20q11.21.
Variant type: single nucleotide variant.
Coding change: c.502T>C on transcript NM_003098.3 (MANE Select); coding-DNA position 502, T replaced by C.
Protein change: p.Tyr168His; replaces tyrosine 168 with histidine.
Molecular consequence: missense variant.
Genome position (GRCh38, 1-based): chr20:33,417,918, A>G on the plus strand (T>C on the coding strand, the complement: SNTA1 is on the minus strand). VCF-style: chr20-33417918-A-G. GRCh37 (hg19) VCF-style: chr20-32005724-A-G.
Other names: short protein forms Y168H.
Identifiers: ClinVar variation 1896614 (VCV001896614.6), dbSNP rs1989917754, ClinGen allele CA408632924.

ClinVar aggregate classification (germline): Uncertain significance. Review status: criteria provided, multiple submitters, no conflicts (2 of 4 stars). 2 submissions from 2 submitters: Uncertain significance (2). Last evaluated 2025-04-13.

Conditions:
Cardiovascular phenotype. Identifiers: MedGen CN230736.
Long QT syndrome (LQTS). Identifiers: MedGen C0023976, MeSH D008133, MONDO:0002442. Disease mechanism: loss of function. Inheritance: Various modes of inheritance.

Allele frequency attached by ClinVar (database versions not stated): gnomAD exomes below 0.00001; TOPMed below 0.00001.
gnomAD v4.1: 3 of 1,611,814 alleles (0.00019%); highest among the groups gnomAD compares: Admixed American, 0.0033%; no homozygotes.

Submissions (2):

Ambry Genetics
Classification: Uncertain significance for Cardiovascular phenotype. Last evaluated: 2025-04-13. Review status: criteria provided, single submitter. Criteria: Ambry Variant Classification Scheme 2023. Collection method: clinical testing. Allele origin: germline.
Comment: The p.Y168H variant (also known as c.502T>C), located in coding exon 3 of the SNTA1 gene, results from a T to C substitution at nucleotide position 502. The tyrosine at codon 168 is replaced by histidine, an amino acid with similar properties. This amino acid position is conserved. In addition, the in silico prediction for this alteration is inconclusive. Based on the available evidence, the clinical significance of this variant remains unclear.

Labcorp Genetics (formerly Invitae), Labcorp
Classification: Uncertain significance for Long QT syndrome. Last evaluated: 2024-06-14. Review status: criteria provided, single submitter. Criteria: Invitae Variant Classification Sherloc (09022015). Collection method: clinical testing. Allele origin: germline.
Comment: This sequence change replaces tyrosine, which is neutral and polar, with histidine, which is basic and polar, at codon 168 of the SNTA1 protein (p.Tyr168His). This variant is not present in population databases (gnomAD no frequency). This variant has not been reported in the literature in individuals affected with SNTA1-related conditions. ClinVar contains an entry for this variant (Variation ID: 1896614). Advanced modeling of protein sequence and biophysical properties (such as structural, functional, and spatial information, amino acid conservation, physicochemical variation, residue mobility, and thermodynamic stability) performed at Invitae indicates that this missense variant is not expected to disrupt SNTA1 protein function with a negative predictive value of 80%. In summary, the available evidence is currently insufficient to determine the role of this variant in disease. Therefore, it has been classified as a Variant of Uncertain Significance.